The following is an entry in ClinVar:

NM_001105206.3(LAMA4):c.2057G>C (p.Ser686Thr)

Gene: LAMA4 (laminin subunit alpha 4; minus strand). Cytogenetic location: 6q21.
Variant type: single nucleotide variant.
Coding change: c.2057G>C on transcript NM_001105206.3 (MANE Select); coding-DNA position 2057, G replaced by C.
Protein change: p.Ser686Thr; replaces serine 686 with threonine.
Molecular consequence: missense variant.
Genome position (GRCh38, 1-based): chr6:112,150,627, C>G on the plus strand (G>C on the coding strand, the complement: LAMA4 is on the minus strand). VCF-style: chr6-112150627-C-G. GRCh37 (hg19) VCF-style: chr6-112471829-C-G.
Other names: c.2036G>C, p.Ser679Thr (NM_001105207.3, NM_002290.5); short protein forms S686T, S679T.
Identifiers: ClinVar variation 1382734 (VCV001382734.11), dbSNP rs1174262178, ClinGen allele CA365363539.

ClinVar aggregate classification (germline): Uncertain significance. Review status: criteria provided, multiple submitters, no conflicts (2 of 4 stars). 3 submissions from 3 submitters: Uncertain significance (3). Last evaluated 2026-10-03.

Conditions:
Dilated cardiomyopathy 1JJ (CMD1JJ). Identifiers: Orphanet 154, MedGen C3808935, MONDO:0014095, OMIM 615235.
Cardiovascular phenotype. Identifiers: MedGen CN230736.

Allele frequency attached by ClinVar (database versions not stated): TOPMed 0.00001.

Submissions (3):

GeneDx
Classification: Uncertain significance. Last evaluated: 2026-10-03. Review status: criteria provided, single submitter. Criteria: GeneDx Variant Classification Process June 2021. Collection method: clinical testing. Allele origin: germline.
Comment: Not observed at significant frequency in large population cohorts (gnomAD); In silico analysis suggests that this missense variant does not alter protein structure/function; Has not been previously published as pathogenic or benign to our knowledge

Labcorp Genetics (formerly Invitae), Labcorp
Classification: Uncertain significance for Dilated cardiomyopathy 1JJ. Last evaluated: 2025-10-29. Review status: criteria provided, single submitter. Criteria: Invitae Variant Classification Sherloc (09022015). Collection method: clinical testing. Allele origin: germline.
Comment: This sequence change replaces serine, which is neutral and polar, with threonine, which is neutral and polar, at codon 679 of the LAMA4 protein (p.Ser679Thr). This variant is not present in population databases (gnomAD no frequency). This variant has not been reported in the literature in individuals affected with LAMA4-related conditions. ClinVar contains an entry for this variant (Variation ID: 1382734). An algorithm developed to predict the effect of missense changes on protein structure and function (PolyPhen-2) suggests that this variant is likely to be tolerated. In summary, the available evidence is currently insufficient to determine the role of this variant in disease. Therefore, it has been classified as a Variant of Uncertain Significance.

Ambry Genetics
Classification: Uncertain significance for Cardiovascular phenotype. Last evaluated: 2024-10-07. Review status: criteria provided, single submitter. Criteria: Ambry Variant Classification Scheme 2023. Collection method: clinical testing. Allele origin: germline.
Comment: The p.S679T variant (also known as c.2036G>C) is located in coding exon 16 of the LAMA4 gene. The serine at codon 679 is replaced by threonine, an amino acid with similar properties. This change occurs in the first base pair of coding exon 16. This amino acid position is highly conserved in available vertebrate species. In addition, this alteration is predicted to be tolerated by in silico analysis. Since supporting evidence is limited at this time, the clinical significance of this alteration remains unclear.